The following is an entry in ClinVar:

ClinVar aggregate classification (germline): Uncertain significance. Review status: criteria provided, multiple submitters, no conflicts (2 of 4 stars). 2 submissions from 2 submitters: Uncertain significance (2). Last evaluated 2025-12-23.

Conditions:
Birt-Hogg-Dube syndrome. Also called: Birt Hogg Dubé syndrome. Identifiers: Orphanet 122, MedGen C0346010, MONDO:0800444.
Hereditary cancer-predisposing syndrome. Also called: Hereditary neoplastic syndrome; Tumor predisposition; Neoplastic Syndromes, Hereditary; Hereditary Cancer Syndrome. Identifiers: Orphanet 140162, MedGen C0027672, MeSH D009386, MONDO:0015356.

Allele frequency attached by ClinVar (database versions not stated): gnomAD exomes below 0.00001; TOPMed below 0.00001.
gnomAD v4.1: 1 of 1,614,224 alleles (0.000062%); highest among the groups gnomAD compares: Non-Finnish European, 0.000085%; no homozygotes.

Submissions (2):

Labcorp Genetics (formerly Invitae), Labcorp
Classification: Uncertain significance for Birt-Hogg-Dube syndrome. Last evaluated: 2025-12-23. Review status: criteria provided, single submitter. Criteria: Invitae Variant Classification Sherloc (09022015). Collection method: clinical testing. Allele origin: germline.
Comment: This sequence change replaces proline, which is neutral and non-polar, with serine, which is neutral and polar, at codon 228 of the FLCN protein (p.Pro228Ser). This variant is not present in population databases (gnomAD no frequency). This variant has not been reported in the literature in individuals affected with FLCN-related conditions. ClinVar contains an entry for this variant (Variation ID: 960566). Invitae Evidence Modeling of protein sequence and biophysical properties (such as structural, functional, and spatial information, amino acid conservation, physicochemical variation, residue mobility, and thermodynamic stability) indicates that this missense variant is not expected to disrupt FLCN protein function with a negative predictive value of 80%. In summary, the available evidence is currently insufficient to determine the role of this variant in disease. Therefore, it has been classified as a Variant of Uncertain Significance.

Ambry Genetics
Classification: Uncertain significance for Hereditary cancer-predisposing syndrome. Last evaluated: 2025-04-20. Review status: criteria provided, single submitter. Criteria: Ambry Variant Classification Scheme 2023. Collection method: clinical testing. Allele origin: germline.
Comment: The p.P228S variant (also known as c.682C>T), located in coding exon 4 of the FLCN gene, results from a C to T substitution at nucleotide position 682. The proline at codon 228 is replaced by serine, an amino acid with similar properties. This amino acid position is conserved. In addition, the in silico prediction for this alteration is inconclusive. Since supporting evidence is limited at this time, the clinical significance of this alteration remains unclear.

NM_144997.7(FLCN):c.682C>T (p.Pro228Ser)

Gene: FLCN (folliculin; minus strand). Cytogenetic location: 17p11.2.
Variant type: single nucleotide variant.
Coding change: c.682C>T on transcript NM_144997.7 (MANE Select); coding-DNA position 682, C replaced by T.
Protein change: p.Pro228Ser; replaces proline 228 with serine.
Molecular consequence: missense variant.
Genome position (GRCh38, 1-based): chr17:17,222,598, G>A on the plus strand (C>T on the coding strand, the complement: FLCN is on the minus strand). VCF-style: chr17-17222598-G-A. GRCh37 (hg19) VCF-style: chr17-17125912-G-A.
Other names: c.736C>T, p.Pro246Ser (NM_001353229.2); c.682C>T, p.Pro228Ser (NM_001353230.2, NM_001353231.2, NM_144606.7); short protein forms P228S, P246S.
Identifiers: ClinVar variation 960566 (VCV000960566.10), dbSNP rs1255176486, ClinGen allele CA398534014.